The following is an entry in ClinVar:

ClinVar aggregate classification (germline): Uncertain significance. Review status: criteria provided, multiple submitters, no conflicts (2 of 4 stars). 2 submissions from 2 submitters: Uncertain significance (2). Last evaluated 2023-09-08.

Conditions:
3-methylcrotonyl-CoA carboxylase 1 deficiency (MCC1D). Also called: MCCD TYPE 1; METHYLCROTONYLGLYCINURIA TYPE I; MCC 1 deficiency; 3 Alpha methylcrotonylglycinuria 1. Identifiers: Orphanet 6, MedGen CN028786, MONDO:0008861, OMIM 210200.

Submissions (2):

Revvity Omics, Revvity
Classification: Uncertain significance for 3-methylcrotonyl-CoA carboxylase 1 deficiency. Last evaluated: 2023-09-08. Review status: criteria provided, single submitter. Criteria: ACMG Guidelines, 2015. Collection method: clinical testing. Allele origin: germline.

Labcorp Genetics (formerly Invitae), Labcorp
Classification: Uncertain significance for 3-methylcrotonyl-CoA carboxylase 1 deficiency. Last evaluated: 2021-04-10. Review status: criteria provided, single submitter. Criteria: Invitae Variant Classification Sherloc (09022015). Collection method: clinical testing. Allele origin: germline.
Comment: In summary, the available evidence is currently insufficient to determine the role of this variant in disease. Therefore, it has been classified as a Variant of Uncertain Significance. Algorithms developed to predict the effect of missense changes on protein structure and function (SIFT, PolyPhen-2, Align-GVGD) all suggest that this variant is likely to be disruptive, but these predictions have not been confirmed by published functional studies and their clinical significance is uncertain. This variant has been observed in individual(s) with 3-methylcrotonyl-CoA carboxylase (3MCC) deficiency (Invitae). This variant is not present in population databases (ExAC no frequency). This sequence change replaces histidine with asparagine at codon 255 of the MCCC1 protein (p.His255Asn). The histidine residue is highly conserved and there is a small physicochemical difference between histidine and asparagine.

NM_020166.5(MCCC1):c.763C>A (p.His255Asn)

Gene: MCCC1 (methylcrotonyl-CoA carboxylase subunit 1; minus strand). Cytogenetic location: 3q27.1.
Variant type: single nucleotide variant.
Coding change: c.763C>A on transcript NM_020166.5 (MANE Select); coding-DNA position 763, C replaced by A.
Protein change: p.His255Asn; replaces histidine 255 with asparagine.
Molecular consequence: missense variant. On other transcripts: non-coding transcript variant (2).
Genome position (GRCh38, 1-based): chr3:183,057,421, G>T on the plus strand (C>A on the coding strand, the complement: MCCC1 is on the minus strand). VCF-style: chr3-183057421-G-T. GRCh37 (hg19) VCF-style: chr3-182775209-G-T.
Other names: c.412C>A, p.His138Asn (NM_001293273.2); c.436C>A, p.His146Asn (NM_001363880.1); short protein forms H138N, H255N, H146N.
Identifiers: ClinVar variation 1524932 (VCV001524932.10), dbSNP rs952365421, ClinGen allele CA355328027.